The following is an entry in ClinVar:

ClinVar aggregate classification (germline): Pathogenic/Likely pathogenic. Review status: criteria provided, multiple submitters, no conflicts (2 of 4 stars). 3 submissions from 3 submitters: Pathogenic (1); Likely pathogenic (2). Last evaluated 2024-09-24.

Conditions:
Bainbridge-Ropers syndrome. Also called: Severe feeding difficulties-failure to thrive-microcephaly due to ASXL3 deficiency syndrome. Identifiers: Orphanet 352577, MedGen C4750837, MONDO:0014205, OMIM 615485.

Submissions (3):

Genetics and Genomic Medicine Centre, NeuroGen Healthcare, NeuroGen Healthcare
Classification: Pathogenic for Bainbridge-Ropers syndrome. Last evaluated: 2024-09-24. Review status: criteria provided, single submitter. Criteria: ACMG Guidelines, 2015. Collection method: clinical testing. Allele origin: unknown. Affected: yes.

MGZ Medical Genetics Center
Classification: Likely pathogenic for Bainbridge-Ropers syndrome. Last evaluated: 2021-11-22. Review status: criteria provided, single submitter. Criteria: ACMG Guidelines, 2015. Collection method: clinical testing. Allele origin: germline. Affected: yes. Observed: 1 variant allele.
Comment: ACMG criteria applied: PVS1, PM2_SUP

Breda Genetics srl
Classification: Likely pathogenic for Bainbridge-Ropers syndrome. Last evaluated: 2021-05-03. Review status: criteria provided, single submitter. Criteria: ACMG Guidelines, 2015. Collection method: clinical testing. Allele origin: de novo. Inheritance: Autosomal dominant inheritance. Affected: yes. Observed: 1 variant allele, 1 heterozygote.
Comment: The variant c.2801T>G (p.Leu934*) in the ASXL3 gene has been reported as affecting function in the Global Variome shared LOVD database v.3.0. It creates a premature stop codon at amino acid position Leu934, which is likely to result in a truncated protein or protein loss due to nonsense-mediated messenger decay (NMD). This variant has not been reported in dbSNP, gnomAD or ClinVar. The variant has likely arisen de novo.

NM_030632.3(ASXL3):c.2801T>G (p.Leu934Ter)

Gene: ASXL3 (ASXL transcriptional regulator 3; plus strand). Cytogenetic location: 18q12.1.
Variant type: single nucleotide variant.
Coding change: c.2801T>G on transcript NM_030632.3 (MANE Select); coding-DNA position 2801, T replaced by G.
Protein change: p.Leu934Ter; replaces leucine 934 with a stop codon.
Molecular consequence: nonsense.
Genome position (GRCh38, 1-based): chr18:33,740,205, T>G. VCF-style: chr18-33740205-T-G. GRCh37 (hg19) VCF-style: chr18-31320169-T-G.
Other names: short protein forms L934*.
Identifiers: ClinVar variation 1298338 (VCV001298338.4), dbSNP rs2067636699, ClinGen allele CA402181532.